The following is an entry in ClinVar:

ClinVar aggregate classification (germline): Benign/Likely benign. Review status: criteria provided, multiple submitters, no conflicts (2 of 4 stars). 3 submissions from 3 submitters: Benign (1); Likely benign (2). Last evaluated 2025-02-24.

Conditions:
Breast-ovarian cancer, familial, susceptibility to, 4. Identifiers: Orphanet 145, MedGen C3280345, MONDO:0013669, OMIM 614291.
Hereditary cancer-predisposing syndrome. Also called: Hereditary Cancer Syndrome; Neoplastic Syndromes, Hereditary; Tumor predisposition; Hereditary neoplastic syndrome. Identifiers: Orphanet 140162, MedGen C0027672, MeSH D009386, MONDO:0015356.

Submissions (3):

Myriad Genetics, Inc.
Classification: Benign for Breast-ovarian cancer, familial, susceptibility to, 4. Last evaluated: 2025-02-24. Review status: criteria provided, single submitter. Criteria: Myriad Autosomal Dominant, Autosomal Recessive and X-Linked Classification Criteria (2023). Collection method: clinical testing. Allele origin: unknown.
Comment: This variant is considered benign. This variant is a silent/synonymous amino acid change and it is not expected to impact splicing.

Ambry Genetics
Classification: Likely benign for Hereditary cancer-predisposing syndrome. Last evaluated: 2024-08-30. Review status: criteria provided, single submitter. Criteria: Ambry Variant Classification Scheme 2023. Collection method: clinical testing. Allele origin: germline.

Labcorp Genetics (formerly Invitae), Labcorp
Classification: Likely benign for Breast-ovarian cancer, familial, susceptibility to, 4. Last evaluated: 2020-10-21. Review status: criteria provided, single submitter. Criteria: Invitae Variant Classification Sherloc (09022015). Collection method: clinical testing. Allele origin: germline.

NM_002878.4(RAD51D):c.618C>T (p.Asp206=)

Genes: RAD51L3-RFFL (RAD51L3-RFFL readthrough; minus strand), RAD51D (RAD51 paralog D; minus strand). Cytogenetic location: 17q12.
Variant type: single nucleotide variant.
Coding change: c.618C>T on transcript NM_002878.4 (MANE Select); coding-DNA position 618, C replaced by T.
Protein change: p.Asp206=; no amino-acid change (aspartic acid 206 retained).
Molecular consequence: synonymous variant. On other transcripts: non-coding transcript variant (3).
Genome position (GRCh38, 1-based): chr17:35,103,503, G>A on the plus strand (C>T on the coding strand, the complement: RAD51D is on the minus strand). VCF-style: chr17-35103503-G-A. GRCh37 (hg19) VCF-style: chr17-33430522-G-A.
Other names: c.618C>T (NM_002878.3); c.678C>T, p.Asp226= (NM_001142571.2); c.282C>T, p.Asp94= (NM_133629.3).
Identifiers: ClinVar variation 1086031 (VCV001086031.9), dbSNP rs2142420737, ClinGen allele CA499730624.